The following is an entry in ClinVar:

ClinVar aggregate classification (germline): Pathogenic (1 of 4 stars; one submission).

Conditions:
Duchenne muscular dystrophy (DMD). Also called: MUSCULAR DYSTROPHY, PSEUDOHYPERTROPHIC PROGRESSIVE, DUCHENNE TYPE; Duchenne Muscular Dystrophy (DMD). Identifiers: Orphanet 98896, MedGen C0013264, MONDO:0010679, OMIM 310200.

Submission:

Labcorp Genetics (formerly Invitae), Labcorp
Classification: Pathogenic for Duchenne muscular dystrophy. Last evaluated: 2021-04-24. Review status: criteria provided, single submitter. Criteria: Invitae Variant Classification Sherloc (09022015). Collection method: clinical testing. Allele origin: germline.
Comment: This variant is not present in population databases (ExAC no frequency). This sequence change creates a premature translational stop signal (p.Lys2087*) in the DMD gene. It is expected to result in an absent or disrupted protein product. Loss-of-function variants in DMD are known to be pathogenic (PMID: 16770791, 25007885). This variant has been observed in individual(s) with clinical features of DMD-related conditions (PMID: 30938079). For these reasons, this variant has been classified as Pathogenic.

Literature cited by the submitters: PubMed 16770791; PubMed 25007885; PubMed 30938079.

NM_004006.3(DMD):c.6259A>T (p.Lys2087Ter)

Gene: DMD (dystrophin; minus strand). Cytogenetic location: Xp21.1.
Variant type: single nucleotide variant.
Coding change: c.6259A>T on transcript NM_004006.3 (MANE Select); coding-DNA position 6259, A replaced by T.
Protein change: p.Lys2087Ter; replaces lysine 2087 with a stop codon.
Molecular consequence: nonsense.
Genome position (GRCh38, 1-based): chrX:32,287,560, T>A on the plus strand (A>T on the coding strand, the complement: DMD is on the minus strand). VCF-style: chrX-32287560-T-A. GRCh37 (hg19) VCF-style: chrX-32305677-T-A.
Other names: c.6235A>T, p.Lys2079Ter (NM_000109.4); c.6247A>T, p.Lys2083Ter (NM_004009.3); c.5890A>T, p.Lys1964Ter (NM_004010.3); c.2236A>T, p.Lys746Ter (NM_004011.4); c.2227A>T, p.Lys743Ter (NM_004012.4); short protein forms K1964*, K2079*, K2083*, K2087*, K743*, K746*.
Identifiers: ClinVar variation 1322609 (VCV001322609.45), dbSNP rs2148456625, ClinGen allele CA412665717.